The following is an entry in ClinVar:

NM_006009.4(TUBA1A):c.1148C>T (p.Ala383Val)

Gene: TUBA1A (tubulin alpha 1a; minus strand). Cytogenetic location: 12q13.12.
Variant type: single nucleotide variant.
Coding change: c.1148C>T on transcript NM_006009.4 (MANE Select); coding-DNA position 1148, C replaced by T.
Protein change: p.Ala383Val; replaces alanine 383 with valine.
Molecular consequence: missense variant.
Genome position (GRCh38, 1-based): chr12:49,185,218, G>A on the plus strand (C>T on the coding strand, the complement: TUBA1A is on the minus strand). VCF-style: chr12-49185218-G-A. GRCh37 (hg19) VCF-style: chr12-49579001-G-A.
Other names: c.1148C>T, p.Ala383Val (NM_001270399.2); c.1043C>T, p.Ala348Val (NM_001270400.2); short protein forms A383V, A348V.
Identifiers: ClinVar variation 160143 (VCV000160143.7), dbSNP rs587784482, ClinGen allele CA210184.
Genomic context (GRCh38, chr12:49,185,218, plus strand): 5'-GCACGTTTGGCATACATCAGGTCAAACTTGTGGTCCAGGCGAGCCCAGGCCTCAGCAATG[G>A]CTGTGGTGTTGCTCAGCATGCACACAGCTCTCTGTACCTTGGCCAGGTCTCCACCAGGCA-3'
Protein context (NP_006000.2, residues 373-393): RAVCMLSNTT[Ala383Val]IAEAWARLDH

ClinVar aggregate classification (germline): Pathogenic/Likely pathogenic. Review status: criteria provided, multiple submitters, no conflicts (2 of 4 stars). 3 submissions from 3 submitters: Pathogenic (1); Likely pathogenic (1). 1 of the submissions does not count toward it. Last evaluated 2018-07-01.

Conditions:
Tubulinopathy. Also called: Tubulinopathies. Identifiers: MedGen CN850169, MONDO:0100153.
Abnormality of neuronal migration. Identifiers: MedGen C1837249, HP:0002269.
Lissencephaly due to TUBA1A mutation (CDCBM16). Also called: CORTICAL DYSPLASIA, COMPLEX, WITH OTHER BRAIN MALFORMATIONS 16; Lissencephaly 3. Identifiers: Orphanet 171680, MedGen C4305153, MONDO:0012703, OMIM 611603.

Submissions (3):

Institute of Human Genetics, FAU Erlangen, Friedrich-Alexander-Universität Erlangen-Nürnberg
Classification: Pathogenic for Tubulinopathies. Last evaluated: 2018-07-01. Review status: criteria provided, single submitter. Criteria: ACMG Guidelines, 2015. Collection method: literature only. Allele origin: germline. Affected: yes. Observed: 1 variant allele.
Comment: The c.1148C>T, p.(Ala383Val) variant has been reported as a variant of germline/unknown origin.

Genetic Services Laboratory, University of Chicago
Classification: Likely pathogenic for Lissencephaly 3. Last evaluated: 2013-02-28. Review status: criteria provided, single submitter. Criteria: ACMG Guidelines, 2007. Collection method: clinical testing. Allele origin: germline. Inheritance: Autosomal dominant inheritance. Affected: yes.

Génétique et pathophysiologie de maladies neurodéveloppementales et épileptogènes, Institut de génétique et de biologie moléculaire et cellulaire
Classification: Pathogenic for Malformation of Cortical Development. Last evaluated: 2014-10-31. Review status: no assertion criteria provided. Collection method: clinical testing. Allele origin: de novo. Affected: yes. Observed: 2 variant alleles, 2 heterozygotes. Not counted in ClinVar's aggregate classification.

Literature cited by the submitters: PubMed 30744660 (cited by Institute of Human Genetics, FAU Erlangen, Friedrich-Alexander-Universität Erlangen-Nürnberg); DOI 10.1101/427948 (cited by Institute of Human Genetics, FAU Erlangen, Friedrich-Alexander-Universität Erlangen-Nürnberg).